The following is an entry in ClinVar:

NM_013275.6(ANKRD11):c.5510C>T (p.Pro1837Leu)

Gene: ANKRD11 (ankyrin repeat domain 11; minus strand). Cytogenetic location: 16q24.3.
Variant type: single nucleotide variant.
Coding change: c.5510C>T on transcript NM_013275.6 (MANE Select); coding-DNA position 5510, C replaced by T.
Protein change: p.Pro1837Leu; replaces proline 1837 with leucine.
Molecular consequence: missense variant.
Genome position (GRCh38, 1-based): chr16:89,281,032, G>A on the plus strand (C>T on the coding strand, the complement: ANKRD11 is on the minus strand). VCF-style: chr16-89281032-G-A. GRCh37 (hg19) VCF-style: chr16-89347440-G-A.
Other names: c.5510C>T, p.Pro1837Leu (NM_001256182.2, NM_001256183.2); c.5510C>T (NM_013275.5, NM_013275.4); short protein forms P1837L.
Identifiers: ClinVar variation 3698770 (VCV003698770.3).

ClinVar aggregate classification (germline): Uncertain significance. Review status: criteria provided, multiple submitters, no conflicts (2 of 4 stars). 3 submissions from 3 submitters: Uncertain significance (3). Last evaluated 2026-02-14.

Conditions:
Inborn genetic diseases. Identifiers: MedGen C0950123, MeSH D030342.
KBG syndrome (KBGS). Also called: ANKRD11-Related KBG Syndrome. Identifiers: Orphanet 2332, MedGen C0220687, MONDO:0007846, OMIM 148050.
ANKRD11-related disorder. Also called: ANKRD11-related condition.

gnomAD v4.1: 11 of 1,596,538 alleles (0.00069%); highest among the groups gnomAD compares: East Asian, 0.0022%; no homozygotes.

Submissions (3):

PreventionGenetics, part of Exact Sciences
Classification: Uncertain significance for ANKRD11-related condition. Last evaluated: 2026-02-14. Review status: criteria provided, single submitter. Criteria: ACMG Guidelines, 2015. Collection method: clinical testing. Allele origin: germline.
Comment: The ANKRD11 c.5510C>T variant is predicted to result in the amino acid substitution p.Pro1837Leu. To our knowledge, this variant has not been documented in the literature. This variant is reported in 0.0056% of alleles in individuals of East Asian descent in gnomAD. Another variant impacting the same amino acid (p.Pro1837Ser) has been reported in the homozygous state in a patient with congenital heart disease and genital anomalies; however, this patient also had homozygous variants in other relevant genes (Mazen et al. 2016. PubMed ID: 27055092). At this time, the clinical significance of the c.5510C>T (p.Pro1837Leu) variant is uncertain due to the absence of conclusive functional and genetic evidence.

Ambry Genetics
Classification: Uncertain significance for Inborn genetic diseases. Last evaluated: 2025-08-07. Review status: criteria provided, single submitter. Criteria: Ambry Variant Classification Scheme 2023. Collection method: clinical testing. Allele origin: germline.

Labcorp Genetics (formerly Invitae), Labcorp
Classification: Uncertain significance for KBG syndrome. Last evaluated: 2025-01-06. Review status: criteria provided, single submitter. Criteria: Invitae Variant Classification Sherloc (09022015). Collection method: clinical testing. Allele origin: germline.
Comment: This sequence change replaces proline, which is neutral and non-polar, with leucine, which is neutral and non-polar, at codon 1837 of the ANKRD11 protein (p.Pro1837Leu). This variant is present in population databases (rs796527078, gnomAD 0.006%). This variant has not been reported in the literature in individuals affected with ANKRD11-related conditions. Invitae Evidence Modeling of protein sequence and biophysical properties (such as structural, functional, and spatial information, amino acid conservation, physicochemical variation, residue mobility, and thermodynamic stability) indicates that this missense variant is not expected to disrupt ANKRD11 protein function with a negative predictive value of 95%. In summary, the available evidence is currently insufficient to determine the role of this variant in disease. Therefore, it has been classified as a Variant of Uncertain Significance.